The following is an entry in ClinVar:

NM_001165963.4(SCN1A):c.1051T>A (p.Cys351Ser)

Gene: SCN1A (sodium voltage-gated channel alpha subunit 1; minus strand). Cytogenetic location: 2q24.3.
Variant type: single nucleotide variant.
Coding change: c.1051T>A on transcript NM_001165963.4 (MANE Select); coding-DNA position 1051, T replaced by A.
Protein change: p.Cys351Ser; replaces cysteine 351 with serine.
Molecular consequence: missense variant. On other transcripts: 5 prime UTR variant (1), non-coding transcript variant (1).
Genome position (GRCh38, 1-based): chr2:166,047,746, A>T on the plus strand (T>A on the coding strand, the complement: SCN1A is on the minus strand). VCF-style: chr2-166047746-A-T. GRCh37 (hg19) VCF-style: chr2-166904256-A-T.
Other names: c.1051T>A, p.Cys351Ser (NM_001165964.3, NM_001202435.3, NM_001353948.2 and 10 more transcripts); c.-1375T>A (NM_001353961.2); short protein forms C351S.
Identifiers: ClinVar variation 1497442 (VCV001497442.9), dbSNP rs2105868016, ClinGen allele CA349071403.

ClinVar aggregate classification (germline): Uncertain significance (1 of 4 stars; one submission).

Conditions:
Early-infantile DEE. Also called: Ohtahara syndrome; Early infantile epileptic encephalopathy; Early infantile epileptic encephalopathy with suppression bursts. Identifiers: Orphanet 1934, MedGen C0393706, MONDO:0800491.

Submission:

Labcorp Genetics (formerly Invitae), Labcorp
Classification: Uncertain significance for Early-infantile DEE. Last evaluated: 2020-11-10. Review status: criteria provided, single submitter. Criteria: Invitae Variant Classification Sherloc (09022015). Collection method: clinical testing. Allele origin: germline.
Comment: In summary, the available evidence is currently insufficient to determine the role of this variant in disease. Therefore, it has been classified as a Variant of Uncertain Significance. Advanced modeling of protein sequence and biophysical properties (such as structural, functional, and spatial information, amino acid conservation, physicochemical variation, residue mobility, and thermodynamic stability) performed at Invitae indicates that this missense variant is expected to disrupt SCN1A protein function. This variant has not been reported in the literature in individuals with SCN1A-related conditions. This variant is not present in population databases (ExAC no frequency). This sequence change replaces cysteine with serine at codon 351 of the SCN1A protein (p.Cys351Ser). The cysteine residue is highly conserved and there is a moderate physicochemical difference between cysteine and serine.